The following is an entry in ClinVar:

NM_018723.4(RBFOX1):c.931-5170G>A

Gene: RBFOX1 (RNA binding fox-1 homolog 1; plus strand). Cytogenetic location: 16p13.3.
Variant type: single nucleotide variant.
Coding change: c.931-5170G>A on transcript NM_018723.4 (MANE Select); 5170 bases into the intron before coding-DNA position 931, G replaced by A.
Molecular consequence: intron variant.
Genome position (GRCh38, 1-based): chr16:7,671,604, G>A. VCF-style: chr16-7671604-G-A. GRCh37 (hg19) VCF-style: chr16-7721606-G-A.
Other names: c.931-5170G>A (NM_001364800.2, NM_001142334.2); c.850-5170G>A (NM_001142333.2); c.1060-5170G>A (NM_001308117.1); c.993+5G>A (NM_145893.3, NM_145891.3, NM_145892.3).
Identifiers: ClinVar variation 1361968 (VCV001361968.6), dbSNP rs763604762, ClinGen allele CA620742844.

ClinVar aggregate classification (germline): Uncertain significance (1 of 4 stars; one submission).

Conditions:
Idiopathic generalized epilepsy. Also called: EIG; Generalised epilepsy. Identifiers: MedGen C0270850, MONDO:0005579, OMIM 600669.

gnomAD v4.1: 7 of 1,609,786 alleles (0.00043%); highest among the groups gnomAD compares: Non-Finnish European, 0.00051%; no homozygotes.

Submission:

Labcorp Genetics (formerly Invitae), Labcorp
Classification: Uncertain significance for Idiopathic generalized epilepsy. Last evaluated: 2022-06-13. Review status: criteria provided, single submitter. Criteria: Invitae Variant Classification Sherloc (09022015). Collection method: clinical testing. Allele origin: germline.
Comment: This sequence change falls in intron 10 of the RBFOX1 gene. It does not directly change the encoded amino acid sequence of the RBFOX1 protein. It affects a nucleotide within the consensus splice site. This variant is present in population databases (no rsID available, gnomAD 0.0009%). This variant has not been reported in the literature in individuals affected with RBFOX1-related conditions. Variants that disrupt the consensus splice site are a relatively common cause of aberrant splicing (PMID: 17576681, 9536098). Algorithms developed to predict the effect of sequence changes on RNA splicing suggest that this variant may disrupt the consensus splice site. In summary, the available evidence is currently insufficient to determine the role of this variant in disease. Therefore, it has been classified as a Variant of Uncertain Significance.

Literature cited by the submitters: PubMed 17576681; PubMed 9536098.